The following is an entry in ClinVar:

ClinVar aggregate classification (germline): Uncertain significance (1 of 4 stars; one submission).

Conditions:
Inborn genetic diseases. Identifiers: MedGen C0950123, MeSH D030342.

gnomAD v4.1: 2 of 1,611,906 alleles (0.00012%); highest among the groups gnomAD compares: Non-Finnish European, 0.000085%; no homozygotes.

Submission:

Ambry Genetics
Classification: Uncertain significance for Inborn genetic diseases. Last evaluated: 2025-09-06. Review status: criteria provided, single submitter. Criteria: Ambry Variant Classification Scheme 2023. Collection method: clinical testing. Allele origin: germline.
Comment: The p.S625N variant (also known as c.1874G>A), located in coding exon 11 of the FANCM gene, results from a G to A substitution at nucleotide position 1874. The serine at codon 625 is replaced by asparagine, an amino acid with highly similar properties. This amino acid position is conserved. In addition, this alteration is predicted to be tolerated by in silico analysis. Based on the available evidence, the clinical significance of this variant remains unclear.

NM_020937.4(FANCM):c.1874G>A (p.Ser625Asn)

Gene: FANCM (FA complementation group M; plus strand). Cytogenetic location: 14q21.2.
Variant type: single nucleotide variant.
Coding change: c.1874G>A on transcript NM_020937.4 (MANE Select); coding-DNA position 1874, G replaced by A.
Protein change: p.Ser625Asn; replaces serine 625 with asparagine.
Molecular consequence: missense variant.
Genome position (GRCh38, 1-based): chr14:45,167,035, G>A. VCF-style: chr14-45167035-G-A. GRCh37 (hg19) VCF-style: chr14-45636238-G-A.
Other names: c.1796G>A, p.Ser599Asn (NM_001308133.2); c.1874G>A, p.Ser625Asn (NM_001308134.2); short protein forms S599N, S625N.
Identifiers: ClinVar variation 4254739 (VCV004254739.1).